The following is an entry in ClinVar:

ClinVar aggregate classification (germline): Benign. Review status: criteria provided, multiple submitters, no conflicts (2 of 4 stars). 2 submissions from 2 submitters: Benign (2). Last evaluated 2018-06-16.

Allele frequency attached by ClinVar (database versions not stated): gnomAD exomes 0.00310; 1000 Genomes Project 0.02436; gnomAD 0.02647 and 0.02843; 1000 Genomes Project 30x 0.02795; TOPMed 0.03030.

Submissions (2):

GeneDx
Classification: Benign. Last evaluated: 2018-06-16. Review status: criteria provided, single submitter. Criteria: GeneDx Variant Classification (06012015). Collection method: clinical testing. Allele origin: germline. Affected: yes.
Comment: This variant is considered likely benign or benign based on one or more of the following criteria: it is a conservative change, it occurs at a poorly conserved position in the protein, it is predicted to be benign by multiple in silico algorithms, and/or has population frequency not consistent with disease.

Breakthrough Genomics
Classification: Benign. Review status: criteria provided, single submitter. Criteria: ACMG Guidelines, 2015. Collection method: not provided. Allele origin: germline. Inheritance: Autosomal dominant inheritance. Affected: yes.

NM_005159.5(ACTC1):c.808+169G>A

Genes: ACTC1 (actin alpha cardiac muscle 1; minus strand), GJD2-DT (GJD2 divergent transcript; plus strand). Cytogenetic location: 15q14.
Variant type: single nucleotide variant.
Coding change: c.808+169G>A on transcript NM_005159.5 (MANE Select); 169 bases into the intron after coding-DNA position 808, G replaced by A.
Molecular consequence: intron variant.
Genome position (GRCh38, 1-based): chr15:34,791,921, C>T on the plus strand (G>A on the coding strand, the complement: ACTC1 is on the minus strand). VCF-style: chr15-34791921-C-T. GRCh37 (hg19) VCF-style: chr15-35084122-C-T.
Identifiers: ClinVar variation 675314 (VCV000675314.2), dbSNP rs3729756, ClinGen allele CA268661728.